The following is an entry in ClinVar:

ClinVar aggregate classification (germline): Likely benign (0 of 4 stars; one submission).

Conditions:
MRAP2-related disorder. Also called: MRAP2-related condition.

Submission:

PreventionGenetics, part of Exact Sciences
Classification: Likely benign for MRAP2-related condition. Last evaluated: 2023-12-06. Review status: no assertion criteria provided. Collection method: clinical testing. Allele origin: germline.
Comment: This variant is classified as likely benign based on ACMG/AMP sequence variant interpretation guidelines (Richards et al. 2015 PMID: 25741868, with internal and published modifications).

NM_138409.4(MRAP2):c.369G>A (p.Val123=)

Gene: MRAP2 (melanocortin 2 receptor accessory protein 2; plus strand). Cytogenetic location: 6q14.2.
Variant type: single nucleotide variant.
Coding change: c.369G>A on transcript NM_138409.4 (MANE Select); coding-DNA position 369, G replaced by A.
Protein change: p.Val123=; no amino-acid change (valine 123 retained).
Molecular consequence: synonymous variant.
Genome position (GRCh38, 1-based): chr6:84,089,232, G>A. VCF-style: chr6-84089232-G-A. GRCh37 (hg19) VCF-style: chr6-84798951-G-A.
Other names: c.111G>A, p.Val37= (NM_001346541.2); c.369G>A, p.Val123= (NM_001346542.2, NM_001346544.2); c.204G>A, p.Val68= (NM_001346543.2).
Identifiers: ClinVar variation 3350112 (VCV003350112.1).